The following is an entry in ClinVar:

ClinVar aggregate classification (germline): Likely benign (1 of 4 stars; one submission).

Allele frequency attached by ClinVar (database versions not stated): TOPMed 0.00369; ESP Exome Variant Server 0.00377; 1000 Genomes Project 30x 0.00390; ExAC 0.00459; 1000 Genomes Project 0.00439; gnomAD 0.00323.
gnomAD v4.1: 3,637 of 871,344 alleles (0.42%); highest among the groups gnomAD compares: South Asian, 0.94%; 22 homozygotes.

Submission:

CeGaT Center for Human Genetics Tuebingen
Classification: Likely benign. Last evaluated: 2023-01-01. Review status: criteria provided, single submitter. Criteria: CeGaT Center For Human Genetics Tuebingen Variant Classification Criteria Version 2. Collection method: clinical testing. Allele origin: germline. Affected: yes. Observed: 1 variant allele.
Comment: OMA1: BP4, BS2

NM_145243.5(OMA1):c.1349A>T (p.Asp450Val)

Genes: DAB1 (DAB adaptor protein 1; minus strand), OMA1 (OMA1 zinc metallopeptidase; minus strand). Cytogenetic location: 1p32.1.
Variant type: single nucleotide variant.
Coding change: c.1349A>T on transcript NM_145243.5 (MANE Select); coding-DNA position 1349, A replaced by T.
Protein change: p.Asp450Val; replaces aspartic acid 450 with valine.
Molecular consequence: missense variant. On other transcripts: 5 prime UTR variant (1).
Genome position (GRCh38, 1-based): chr1:58,506,076, T>A on the plus strand (A>T on the coding strand, the complement: OMA1 is on the minus strand). VCF-style: chr1-58506076-T-A. GRCh37 (hg19) VCF-style: chr1-58971748-T-A.
Other names: c.-521A>T (NM_001379461.1); short protein forms D450V.
Identifiers: ClinVar variation 2638845 (VCV002638845.22), dbSNP rs77244905, ClinGen allele CA876932.